The following is an entry in ClinVar:

NM_006663.4(PPP1R13L):c.487C>A (p.Pro163Thr)

Gene: PPP1R13L (protein phosphatase 1 regulatory subunit 13 like; minus strand). Cytogenetic location: 19q13.32.
Variant type: single nucleotide variant.
Coding change: c.487C>A on transcript NM_006663.4 (MANE Select); coding-DNA position 487, C replaced by A.
Protein change: p.Pro163Thr; replaces proline 163 with threonine.
Molecular consequence: missense variant.
Genome position (GRCh38, 1-based): chr19:45,396,770, G>T on the plus strand (C>A on the coding strand, the complement: PPP1R13L is on the minus strand). VCF-style: chr19-45396770-G-T. GRCh37 (hg19) VCF-style: chr19-45900028-G-T.
Other names: c.487C>A, p.Pro163Thr (NM_001142502.2); short protein forms P163T.
Identifiers: ClinVar variation 3895174 (VCV003895174.1).

ClinVar aggregate classification (germline): Uncertain significance (1 of 4 stars; one submission).

Conditions:
Cardiovascular phenotype. Identifiers: MedGen CN230736.

gnomAD v4.1: 1 of 1,356,618 alleles (0.000074%); highest among the groups gnomAD compares: African/African-American, 0.0015%; no homozygotes.

Submission:

Molecular Diagnostic Laboratory for Inherited Cardiovascular Disease, Montreal Heart Institute
Classification: Uncertain significance for Cardiovascular phenotype. Last evaluated: 2025-04-09. Review status: criteria provided, single submitter. Criteria: ACMG Guidelines, 2015. Collection method: clinical testing. Allele origin: germline. Affected: yes.
Comment: PM2, BP4